The following is an entry in ClinVar:

ClinVar aggregate classification (germline): Uncertain significance (1 of 4 stars; one submission).

Submission:

CeGaT Center for Human Genetics Tuebingen
Classification: Uncertain significance. Last evaluated: 2024-06-01. Review status: criteria provided, single submitter. Criteria: CeGaT Center For Human Genetics Tuebingen Variant Classification Criteria Version 2. Collection method: clinical testing. Allele origin: germline. Affected: yes. Observed: 1 variant allele.
Comment: CIC: PM2

NM_001386298.1(CIC):c.5609G>T (p.Ser1870Ile)

Gene: CIC (capicua transcriptional repressor; plus strand). Cytogenetic location: 19q13.2.
Variant type: single nucleotide variant.
Coding change: c.5609G>T on transcript NM_001386298.1 (MANE Select); coding-DNA position 5609, G replaced by T.
Protein change: p.Ser1870Ile; replaces serine 1870 with isoleucine.
Molecular consequence: missense variant.
Genome position (GRCh38, 1-based): chr19:42,291,741, G>T. VCF-style: chr19-42291741-G-T. GRCh37 (hg19) VCF-style: chr19-42795893-G-T.
Other names: c.5609G>T, p.Ser1870Ile (NM_001304815.2, NM_001379480.1, NM_001379482.1 and 1 more transcripts); c.2882G>T, p.Ser961Ile (NM_001379484.1, NM_001379485.1, NM_015125.5); short protein forms S1870I, S961I.
Identifiers: ClinVar variation 3251015 (VCV003251015.18), dbSNP rs1379214643.
Genomic context (GRCh38, chr19:42,291,741, plus strand): 5'-CACTGCCACTGGTGAGCCCGCCCTTCTCAGTACCTGTGCAGAATGGTGCCCAGCCCCCCA[G>T]CAAGGTGAGGGCCTGCCTTTCTCTCTACCTGCTGGATGTTGGCCCCTGTACCCCATCATT-3'
Protein context (NP_001373227.1, residues 1860-1880): VPVQNGAQPP[Ser1870Ile]KIIQLTPVPV